The following is an entry in ClinVar:

NM_001006658.3(CR2):c.605A>C (p.Lys202Thr)

Gene: CR2 (complement C3d receptor 2; plus strand). Cytogenetic location: 1q32.2.
Variant type: single nucleotide variant.
Coding change: c.605A>C on transcript NM_001006658.3 (MANE Select); coding-DNA position 605, A replaced by C.
Protein change: p.Lys202Thr; replaces lysine 202 with threonine.
Molecular consequence: missense variant.
Genome position (GRCh38, 1-based): chr1:207,468,686, A>C. VCF-style: chr1-207468686-A-C. GRCh37 (hg19) VCF-style: chr1-207642031-A-C.
Other names: c.605A>C, p.Lys202Thr (NM_001877.5); short protein forms K202T.
Identifiers: ClinVar variation 540313 (VCV000540313.9), dbSNP rs893377104, ClinGen allele CA36647168.

ClinVar aggregate classification (germline): Uncertain significance (1 of 4 stars; one submission).

Conditions:
Immunodeficiency, common variable, 7. Identifiers: Orphanet 1572, Orphanet 696894, MedGen C3542922, MONDO:0013862, OMIM 614699.

Allele frequency attached by ClinVar (database versions not stated): gnomAD exomes below 0.00001; TOPMed below 0.00001.
gnomAD v4.1: 6 of 1,614,072 alleles (0.00037%); highest among the groups gnomAD compares: Non-Finnish European, 0.00051%; no homozygotes.

Submission:

Labcorp Genetics (formerly Invitae), Labcorp
Classification: Uncertain significance for Immunodeficiency, common variable, 7. Last evaluated: 2018-11-07. Review status: criteria provided, single submitter. Criteria: Invitae Variant Classification Sherloc (09022015). Collection method: clinical testing. Allele origin: germline.
Comment: In summary, the available evidence is currently insufficient to determine the role of this variant in disease. Therefore, it has been classified as a Variant of Uncertain Significance. Algorithms developed to predict the effect of missense changes on protein structure and function (SIFT, PolyPhen-2, Align-GVGD) all suggest that this variant is likely to be tolerated, but these predictions have not been confirmed by published functional studies and their clinical significance is uncertain. This variant has not been reported in the literature in individuals with CR2-related disease. This variant is not present in population databases (ExAC no frequency). This sequence change replaces lysine with threonine at codon 202 of the CR2 protein (p.Lys202Thr). The lysine residue is moderately conserved and there is a moderate physicochemical difference between lysine and threonine.